The following is an entry in ClinVar:

ClinVar aggregate classification (germline): Uncertain significance (1 of 4 stars; one submission).

Conditions:
Cardiovascular phenotype. Identifiers: MedGen CN230736.

Submission:

Ambry Genetics
Classification: Uncertain significance for Cardiovascular phenotype. Last evaluated: 2026-05-17. Review status: criteria provided, single submitter. Criteria: Ambry Variant Classification Scheme 2023. Collection method: clinical testing. Allele origin: germline.
Comment: The p.I350V variant (also known as c.1048A>G), located in coding exon 6 of the LCAT gene, results from an A to G substitution at nucleotide position 1048. The isoleucine at codon 350 is replaced by valine, an amino acid with highly similar properties. This amino acid position is conserved. In addition, this alteration is predicted to be tolerated by in silico analysis. Based on the available evidence, the clinical significance of this variant remains unclear.

NM_000229.2(LCAT):c.1048A>G (p.Ile350Val)

Gene: LCAT (lecithin-cholesterol acyltransferase; minus strand). Cytogenetic location: 16q22.1.
Variant type: single nucleotide variant.
Coding change: c.1048A>G on transcript NM_000229.2 (MANE Select); coding-DNA position 1048, A replaced by G.
Protein change: p.Ile350Val; replaces isoleucine 350 with valine.
Molecular consequence: missense variant.
Genome position (GRCh38, 1-based): chr16:67,940,179, T>C on the plus strand (A>G on the coding strand, the complement: LCAT is on the minus strand). VCF-style: chr16-67940179-T-C. GRCh37 (hg19) VCF-style: chr16-67974082-T-C.
Other names: short protein forms I350V.
Identifiers: ClinVar variation 4859145 (VCV004859145.1).